The following is an entry in ClinVar:

NM_152558.5(IQCE):c.1022G>A (p.Arg341Lys)

Gene: IQCE (IQ motif containing E; plus strand). Cytogenetic location: 7p22.3.
Variant type: single nucleotide variant.
Coding change: c.1022G>A on transcript NM_152558.5 (MANE Select); coding-DNA position 1022, G replaced by A.
Protein change: p.Arg341Lys; replaces arginine 341 with lysine.
Molecular consequence: missense variant.
Genome position (GRCh38, 1-based): chr7:2,587,855, G>A. VCF-style: chr7-2587855-G-A. GRCh37 (hg19) VCF-style: chr7-2627489-G-A.
Other names: c.1022G>A, p.Arg341Lys (NM_001287499.2); c.974G>A, p.Arg325Lys (NM_001287500.2, NM_001410865.1); c.827G>A, p.Arg276Lys (NM_001287501.2, NM_001287502.2); short protein forms R276K, R325K, R341K.
Identifiers: ClinVar variation 3037466 (VCV003037466.2), dbSNP rs190428306, ClinGen allele CA4128993.
Genomic context (GRCh38, chr7:2,587,855, plus strand): 5'-GTTTTGAAACCGCATTGCTTCCATCAGGTTATGTGGAGTGGAGCAAGCCCCGGCTGCTGA[G>A]GCGCATTGTGGAGCTGGAGAAGGTGAGCGGGCGTCTCAGTGCCACTGTCGTTGGGGACCA-3'
Protein context (NP_689771.3, residues 331-351): YVEWSKPRLL[Arg341Lys]RIVELEKKLS

ClinVar aggregate classification (germline): Benign (0 of 4 stars; one submission).

Conditions:
IQCE-related disorder. Also called: IQCE-related condition.

Allele frequency attached by ClinVar (database versions not stated): gnomAD 0.00017; gnomAD exomes 0.00022; TOPMed 0.00031; ExAC 0.00054; 1000 Genomes Project 30x 0.00094; 1000 Genomes Project 0.00100.
gnomAD v4.1: 345 of 1,614,112 alleles (0.021%); highest among the groups gnomAD compares: East Asian, 0.74%; 6 homozygotes.

Submission:

PreventionGenetics, part of Exact Sciences
Classification: Benign for IQCE-related condition. Last evaluated: 2019-08-30. Review status: no assertion criteria provided. Collection method: clinical testing. Allele origin: germline.
Comment: This variant is classified as benign based on ACMG/AMP sequence variant interpretation guidelines (Richards et al. 2015 PMID: 25741868, with internal and published modifications).